The following is an entry in ClinVar:

NM_000390.4(CHM):c.73_74insTATAAGAGACAGT (p.Ala25delinsValTer)

Gene: CHM (CHM Rab escort protein; minus strand). Cytogenetic location: Xq21.2.
Variant type: Insertion.
Coding change: c.73_74insTATAAGAGACAGT on transcript NM_000390.4 (MANE Select); coding-DNA positions 73 to 74, TATAAGAGACAGT inserted.
Protein change: p.Ala25delinsValTer.
Molecular consequence: nonsense. On other transcripts: 5 prime UTR variant (4).
Genome position: GRCh38 VCF-style: chrX-86027533-G-GACTGTCTCTTATA. GRCh37 (hg19) VCF-style: chrX-85282537-G-GACTGTCTCTTATA.
Other names: c.73_74insTATAAGAGACAGT, p.Ala25delinsValTer (NM_001145414.4); c.-372_-371insTATAAGAGACAGT (NM_001320959.1, NM_001362517.1); c.-368_-367insTATAAGAGACAGT (NM_001362518.2, NM_001362519.1).
Identifiers: ClinVar variation 1726566 (VCV001726566.2), dbSNP rs2520866183, ClinGen allele CA2580102034.

ClinVar aggregate classification (germline): Likely pathogenic (1 of 4 stars; one submission).

Conditions:
Choroideremia. Also called: Chorioretinal scalloped atrophy. Identifiers: Orphanet 180, MedGen C0008525, MONDO:0010557, OMIM 303100, HP:0001139.

Submission:

Myriad Genetics, Inc.
Classification: Likely pathogenic for Choroideremia. Last evaluated: 2021-12-21. Review status: criteria provided, single submitter. Criteria: Myriad Women's Health Autosomal Recessive and X-Linked Classification Criteria (2021). Collection method: clinical testing. Allele origin: unknown.
Comment: NM_000390.2(CHM):c.73_74ins13(A25Vfs*2) is expected to be pathogenic in the context of choroideremia. This variant is predicted to lead to an abnormal or absent protein product due to the creation of a premature termination codon in CHM, a gene where loss-of-function variants are known to be pathogenic. Please note: this variant was assessed in the context of healthy population screening.